The following is an entry in ClinVar:

ClinVar aggregate classification (germline): Uncertain significance. Review status: criteria provided, multiple submitters, no conflicts (2 of 4 stars). 2 submissions from 2 submitters: Uncertain significance (2). Last evaluated 2025-11-20.

Conditions:
Inborn genetic diseases. Identifiers: MedGen C0950123, MeSH D030342.

Allele frequency attached by ClinVar (database versions not stated): gnomAD exomes below 0.00001; ExAC 0.00001; TOPMed 0.00005; gnomAD 0.00008; ESP Exome Variant Server 0.00008.
gnomAD v4.1: 15 of 1,613,942 alleles (0.00093%); highest among the groups gnomAD compares: African/African-American, 0.02%; no homozygotes.

Submissions (2):

Ambry Genetics
Classification: Uncertain significance for Inborn genetic diseases. Last evaluated: 2025-11-20. Review status: criteria provided, single submitter. Criteria: Ambry Variant Classification Scheme 2023. Collection method: clinical testing. Allele origin: germline.

Labcorp Genetics (formerly Invitae), Labcorp
Classification: Uncertain significance. Last evaluated: 2025-06-12. Review status: criteria provided, single submitter. Criteria: Invitae Variant Classification Sherloc (09022015). Collection method: clinical testing. Allele origin: germline.
Comment: This sequence change replaces glutamine, which is neutral and polar, with leucine, which is neutral and non-polar, at codon 2385 of the BPTF protein (p.Gln2385Leu). This variant is present in population databases (rs142404782, gnomAD 0.02%). This variant has not been reported in the literature in individuals affected with BPTF-related conditions. ClinVar contains an entry for this variant (Variation ID: 2893017). An algorithm developed to predict the effect of missense changes on protein structure and function (PolyPhen-2) suggests that this variant is likely to be disruptive. In summary, the available evidence is currently insufficient to determine the role of this variant in disease. Therefore, it has been classified as a Variant of Uncertain Significance.

NM_182641.4(BPTF):c.6776A>T (p.Gln2259Leu)

Gene: BPTF (bromodomain PHD finger transcription factor; plus strand). Cytogenetic location: 17q24.2.
Variant type: single nucleotide variant.
Coding change: c.6776A>T on transcript NM_182641.4 (MANE Select); coding-DNA position 6776, A replaced by T.
Protein change: p.Gln2259Leu; replaces glutamine 2259 with leucine.
Molecular consequence: missense variant.
Genome position (GRCh38, 1-based): chr17:67,945,484, A>T. VCF-style: chr17-67945484-A-T. GRCh37 (hg19) VCF-style: chr17-65941600-A-T.
Other names: c.7154A>T, p.Gln2385Leu (NM_004459.7); c.6776A>T (NM_182641.3); short protein forms Q2385L, Q2259L.
Identifiers: ClinVar variation 2893017 (VCV002893017.4), dbSNP rs142404782, ClinGen allele CA8726278.
Genomic context (GRCh38, chr17:67,945,484, plus strand): 5'-GGCAGAGTAAACTGTCACCCCAGATGCAGGTACATCAAGACAAAACCCTGCCACCAGCTC[A>T]GTCATCAAGTGTGGGTCCAGCAGAAGCCCAGCCACAGACTGCTCAGCCTTCAGCTCAGCC-3'
Protein context (NP_872579.2, residues 2249-2269): VHQDKTLPPA[Gln2259Leu]SSSVGPAEAQ